The following is an entry in ClinVar:

ClinVar aggregate classification (germline): Uncertain significance. Review status: criteria provided, multiple submitters, no conflicts (2 of 4 stars). 2 submissions from 2 submitters: Uncertain significance (2). Last evaluated 2022-06-15.

Conditions:
Ehlers-Danlos syndrome, type 4 (EDSVASC). Also called: Ehlers-Danlos syndrome vascular type; Ehlers Danlos syndrome, ecchymotic type; Ehlers Danlos syndrome, arterial type; Ehlers Danlos syndrome, Sack-Barabas type; Ehlers-Danlos Syndrome Type IV. Identifiers: Orphanet 286, MedGen C0268338, MONDO:0017314, OMIM 130050.

Allele frequency attached by ClinVar (database versions not stated): gnomAD exomes below 0.00001.
gnomAD v4.1: 4 of 1,612,982 alleles (0.00025%); highest among the groups gnomAD compares: Non-Finnish European, 0.00034%; no homozygotes.

Submissions (2):

Labcorp Genetics (formerly Invitae), Labcorp
Classification: Uncertain significance for Ehlers-Danlos syndrome, type 4. Last evaluated: 2022-06-15. Review status: criteria provided, single submitter. Criteria: Invitae Variant Classification Sherloc (09022015). Collection method: clinical testing. Allele origin: germline.
Comment: In summary, the available evidence is currently insufficient to determine the role of this variant in disease. Therefore, it has been classified as a Variant of Uncertain Significance. Algorithms developed to predict the effect of missense changes on protein structure and function are either unavailable or do not agree on the potential impact of this missense change (SIFT: "Deleterious"; PolyPhen-2: "Not Available"; Align-GVGD: "Class C0"). ClinVar contains an entry for this variant (Variation ID: 1172854). This variant has not been reported in the literature in individuals affected with COL3A1-related conditions. This variant is not present in population databases (gnomAD no frequency). This sequence change replaces proline, which is neutral and non-polar, with leucine, which is neutral and non-polar, at codon 554 of the COL3A1 protein (p.Pro554Leu).

Women's Health and Genetics/Laboratory Corporation of America, LabCorp
Classification: Uncertain significance. Last evaluated: 2021-06-07. Review status: criteria provided, single submitter. Criteria: LabCorp Variant Classification Summary - May 2015. Collection method: clinical testing. Allele origin: germline.
Comment: Variant summary: COL3A1 c.1661C>T (p.Pro554Leu) results in a non-conservative amino acid change in the encoded protein sequence. Three of five in-silico tools predict a damaging effect of the variant on protein function. The variant was absent in 251228 control chromosomes. The available data on variant occurrences in the general population are insufficient to allow any conclusion about variant significance. To our knowledge, no occurrence of c.1661C>T in individuals affected with Ehlers-Danlos Syndrome, Vascular Type and no experimental evidence demonstrating its impact on protein function have been reported. No clinical diagnostic laboratories have submitted clinical-significance assessments for this variant to ClinVar after 2014. Based on the evidence outlined above, the variant was classified as uncertain significance.

NM_000090.4(COL3A1):c.1661C>T (p.Pro554Leu)

Gene: COL3A1 (collagen type III alpha 1 chain; plus strand). Cytogenetic location: 2q32.2.
Variant type: single nucleotide variant.
Coding change: c.1661C>T on transcript NM_000090.4 (MANE Select); coding-DNA position 1661, C replaced by T.
Protein change: p.Pro554Leu; replaces proline 554 with leucine.
Molecular consequence: missense variant.
Genome position (GRCh38, 1-based): chr2:188,996,177, C>T. VCF-style: chr2-188996177-C-T. GRCh37 (hg19) VCF-style: chr2-189860903-C-T.
Other names: short protein forms P554L.
Identifiers: ClinVar variation 1172854 (VCV001172854.6), dbSNP rs1688305869, ClinGen allele CA349852524.